The following is an entry in ClinVar:

NM_080476.5(PIGU):c.11C>T (p.Pro4Leu)

Gene: PIGU (phosphatidylinositol glycan anchor biosynthesis class U; minus strand). Cytogenetic location: 20q11.22.
Variant type: single nucleotide variant.
Coding change: c.11C>T on transcript NM_080476.5 (MANE Select); coding-DNA position 11, C replaced by T.
Protein change: p.Pro4Leu; replaces proline 4 with leucine.
Molecular consequence: missense variant.
Genome position (GRCh38, 1-based): chr20:34,677,075, G>A on the plus strand (C>T on the coding strand, the complement: PIGU is on the minus strand). VCF-style: chr20-34677075-G-A. GRCh37 (hg19) VCF-style: chr20-33264879-G-A.
Other names: short protein forms P4L.
Identifiers: ClinVar variation 1920923 (VCV001920923.5), dbSNP rs2516297587, ClinGen allele CA408669016.

ClinVar aggregate classification (germline): Uncertain significance (1 of 4 stars; one submission).

Allele frequency attached by ClinVar (database versions not stated): gnomAD exomes below 0.00001.
gnomAD v4.1: 4 of 1,564,170 alleles (0.00026%); highest among the groups gnomAD compares: Non-Finnish European, 0.00035%; no homozygotes.

Submission:

Labcorp Genetics (formerly Invitae), Labcorp
Classification: Uncertain significance. Last evaluated: 2022-09-19. Review status: criteria provided, single submitter. Criteria: Invitae Variant Classification Sherloc (09022015). Collection method: clinical testing. Allele origin: germline.
Comment: In summary, the available evidence is currently insufficient to determine the role of this variant in disease. Therefore, it has been classified as a Variant of Uncertain Significance. Algorithms developed to predict the effect of missense changes on protein structure and function are either unavailable or do not agree on the potential impact of this missense change (SIFT: "Tolerated"; PolyPhen-2: "Not Available"; Align-GVGD: "Class C0"). This variant has not been reported in the literature in individuals affected with PIGU-related conditions. This variant is not present in population databases (gnomAD no frequency). This sequence change replaces proline, which is neutral and non-polar, with leucine, which is neutral and non-polar, at codon 4 of the PIGU protein (p.Pro4Leu).